The following is an entry in ClinVar:

ClinVar aggregate classification (germline): Conflicting classifications of pathogenicity. Review status: criteria provided, conflicting classifications (1 of 4 stars). 16 submissions from 16 submitters: Pathogenic (12); Likely pathogenic (1); Uncertain significance (1). 2 of the submissions do not count toward it. Last evaluated 2026-04-01.

Conditions:
prenatal LIG4 syndrome with aqueductal stenosis.
LIG4-related disorder. Also called: LIG4-related disorders; LIG4-related condition. Identifiers: MedGen CN239380.
Inborn genetic diseases. Identifiers: MedGen C0950123, MeSH D030342.
Multiple myeloma (MM). Also called: Multiple myeloma, somatic; Plasma cell myeloma. Identifiers: Orphanet 29073, Orphanet 85443, MedGen C0026764, MeSH D009101, MONDO:0009693, OMIM 254500, HP:0006775.
DNA ligase IV deficiency. Identifiers: Orphanet 99812, MedGen C1847827, MONDO:0011686, OMIM 606593.
Primary ciliary dyskinesia. Also called: Ciliary dyskinesia. Identifiers: Orphanet 244, MedGen C0008780, MONDO:0016575, HP:0012265.

Allele frequency attached by ClinVar (database versions not stated): gnomAD 0.00007; ExAC 0.00008; TOPMed 0.00008; gnomAD exomes 0.00010; 1000 Genomes Project 0.00020; 1000 Genomes Project 30x 0.00031.
gnomAD v4.1: 235 of 1,614,028 alleles (0.015%); highest among the groups gnomAD compares: Non-Finnish European, 0.019%; no homozygotes.

Submissions (16):

Department of Human Genetics, Hannover Medical School
Classification: Uncertain significance for Primary Ciliary Dyskinesia. Last evaluated: 2026-04-01. Review status: criteria provided, single submitter. Criteria: ACMG Guidelines, 2015. Collection method: research. Allele origin: germline. Affected: no.
Comment: Classification performed by HerediClassify using the following criteria:['PM2_supporting: Variant occures does not occur as homozygous in gnomAD.', 'PVS1_protein_strong: Transcript ENST00000442234 is not predicted to undergo NMD. Protein length change of 0.10757409440175636 observed.']

Labcorp Genetics (formerly Invitae), Labcorp
Classification: Pathogenic for DNA ligase IV deficiency. Last evaluated: 2026-01-16. Review status: criteria provided, single submitter. Criteria: Invitae Variant Classification Sherloc (09022015). Collection method: clinical testing. Allele origin: germline.
Comment: This sequence change creates a premature translational stop signal (p.Arg814*) in the LIG4 gene. While this is not anticipated to result in nonsense mediated decay, it is expected to disrupt the last 98 amino acid(s) of the LIG4 protein. This variant is present in population databases (rs104894419, gnomAD 0.02%). This premature translational stop signal has been observed in individuals with Ligase IV syndrome (PMID: 11779494, 16088910, 24123394, 25239263, 27063650, 27612988). It has also been observed to segregate with disease in related individuals. ClinVar contains an entry for this variant (Variation ID: 7673). Algorithms developed to predict the effect of variants on gene product structure and function are not available or were not evaluated for this variant. Experimental studies have shown that this premature translational stop signal affects LIG4 function (PMID: 15333585, 24892279, 27063650). For these reasons, this variant has been classified as Pathogenic.

CeGaT Center for Human Genetics Tuebingen
Classification: Pathogenic. Last evaluated: 2025-01-01. Review status: criteria provided, single submitter. Criteria: CeGaT Center For Human Genetics Tuebingen Variant Classification Criteria Version 2. Collection method: clinical testing. Allele origin: germline. Affected: yes. Observed: 5 variant alleles.
Comment: LIG4: PM3:Very Strong, PVS1, PM2

ARUP Laboratories, Molecular Genetics and Genomics, ARUP Laboratories
Classification: Pathogenic. Last evaluated: 2024-10-31. Review status: criteria provided, single submitter. Criteria: ARUP Molecular Germline Variant Investigation Process 2024. Collection method: clinical testing. Allele origin: germline.
Comment: The LIG4 c.2440C>T; p.Arg814Ter variant (rs104894419) is reported in the literature in multiple homozygous and compound heterozygous individuals affected with LIG4 syndrome (Ben-Omran 2005, Murray 2014, Oâ€™Driscoll 2001). This variant is found in the non-Finnish European population with an allele frequency of 0.02% (24/129,080 alleles) in the Genome Aggregation Database (v2.1.1). This variant results in a premature termination codon in the last exon of the LIG4 gene. While this may not lead to nonsense-mediated decay, it is expected to create a truncated LIG4 protein. Functional assays demonstrate the variant protein has reduced interaction with binding partners and significantly reduced enzymatic activity (Girard 2004). Based on available information, this variant is considered to be pathogenic. References: Ben-Omran TI et al. A patient with mutations in DNA Ligase IV: clinical features and overlap with Nijmegen breakage syndrome. Am J Med Genet A. 2005 Sep 1;137A(3):283-7. PMID: 16088910. Girard PM et al. Analysis of DNA ligase IV mutations found in LIG4 syndrome patients: the impact of two linked polymorphisms. Hum Mol Genet. 2004 Oct 15;13(20):2369-76. PMID: 15333585. Murray JE et al. Extreme growth failure is a common presentation of ligase IV deficiency. Hum Mutat. 2014 Jan;35(1):76-85. PMID: 24123394. O'Driscoll M et al. DNA ligase IV mutations identified in patients exhibiting developmental delay and immunodeficiency. Mol Cell. 2001 Dec;8(6):1175-85. PMID: 11779494.

Blueprint Genetics
Classification: Pathogenic for LIG4-related disorders. Last evaluated: 2024-10-16. Review status: criteria provided, single submitter. Criteria: ACMG Guidelines, 2015. Collection method: clinical testing. Allele origin: germline. Affected: yes. Observed: 5 variant alleles.

Genomic Medicine Center of Excellence, King Faisal Specialist Hospital and Research Centre
Classification: Pathogenic for DNA ligase IV deficiency. Last evaluated: 2024-03-14. Review status: criteria provided, single submitter. Criteria: ACMG Guidelines, 2015. Collection method: research. Allele origin: germline.

Molecular Genetics laboratory, Necker Hospital
Classification: Pathogenic for prenatal LIG4 syndrome with aqueductal stenosis. Last evaluated: 2023-12-28. Review status: criteria provided, single submitter. Criteria: ACMG Guidelines, 2015. Collection method: clinical testing. Allele origin: paternal. Affected: yes. Observed: 3 variant alleles. Clinical features observed: Aqueductal stenosis (HP:0002410), Ventriculomegaly (HP:0002119), Fetal growth restriction (HP:0001511), Microcephaly (HP:0000252).

Duke University Health System Sequencing Clinic, Duke University Health System
Classification: Pathogenic for DNA ligase IV deficiency. Last evaluated: 2023-04-20. Review status: criteria provided, single submitter. Criteria: ACMG Guidelines, 2015. Collection method: research. Allele origin: maternal. Affected: yes.

GeneDx
Classification: Pathogenic. Last evaluated: 2022-11-21. Review status: criteria provided, single submitter. Criteria: GeneDx Variant Classification Process June 2021. Collection method: clinical testing. Allele origin: germline. Affected: yes.
Comment: Nonsense variant predicted to result in protein truncation in a gene for which loss of function is a known mechanism of disease; Published functional studies demonstrate less than 1% residual activity and significantly impaired interaction with XRCC4 and NAD+ (Girard et al., 2004; Chen et al., 2018); This variant is associated with the following publications: (PMID: 11779494, 27855655, 26608917, 24892279, 27537055, 27353043, 27612988, 25239263, 29146883, 30719430, 30496552, 31130284, 31980526, 33739554, 31589614, 24123394, 16088910, 15333585, 27063650, 23372718)

Fulgent Genetics
Classification: Pathogenic for Multiple myeloma; DNA ligase IV deficiency. Last evaluated: 2018-10-31. Review status: criteria provided, single submitter. Criteria: ACMG Guidelines, 2015. Collection method: clinical testing. Allele origin: unknown.

Ambry Genetics
Classification: Pathogenic for Inborn genetic diseases. Last evaluated: 2016-08-24. Review status: criteria provided, single submitter. Criteria: Ambry exome assertion method (8-5-2015). Collection method: clinical testing. Allele origin: germline. Affected: yes. Observed: 1 variant allele.

Molecular Diagnostics Lab, Nemours Children's Health, Delaware
Classification: Pathogenic. Last evaluated: 2016-01-06. Review status: criteria provided, single submitter. Criteria: ACMG Guidelines, 2015. Collection method: clinical testing. Allele origin: unknown. Affected: yes. Observed: 3 heterozygotes. Clinical features observed: thrombocytopenia, primordial dwarfism, hypogammaglobulinemia, lymphopenia.

Center of Genomic medicine, Geneva, University Hospital of Geneva
Classification: Likely pathogenic for DNA ligase IV deficiency. Last evaluated: 2014-07-07. Review status: criteria provided, single submitter. Criteria: MacArthur et al. (Nature 2014). Collection method: clinical testing. Allele origin: paternal. Affected: yes. Observed: 3 variant alleles.

Department of Pediatric Genetics, Istanbul University - Cerrahpasa
Classification: Pathogenic for LIG4 Syndrome. Review status: criteria provided, single submitter. Criteria: ACMG Guidelines, 2015. Collection method: clinical testing. Allele origin: germline. Affected: yes.

PreventionGenetics, part of Exact Sciences
Classification: Pathogenic for LIG4-related condition. Last evaluated: 2024-01-03. Review status: no assertion criteria provided. Collection method: clinical testing. Allele origin: germline. Not counted in ClinVar's aggregate classification.
Comment: The LIG4 c.2440C>T variant is predicted to result in premature protein termination (p.Arg814*). This variant has been reported in the compound heterozygous state in individuals with ligase IV syndrome (O'Driscoll et al. 2001. PubMed ID: 11779494; Felgentreff et al. 2016. PubMed ID: 27063650). This variant has also been reported in the compound heterozygous state in individuals with atypical Seckel syndrome, Dubowitz syndrome, dyskeratosis congenita, and microcephalic primordial dwarfism (Murray et al. 2014. PubMed ID: 24123394; Zhang et al. 2015. PubMed ID: 25239263; Walne et al. 2016. PubMed ID: 27612988). Functional studies have shown that this variant leads to increased cellular radiosensitivity, diminished cell survival, decreased binding to XRCC4, increased DNA damage, and delayed kinetics of DNA repair (Girard et al. 2004. PubMed ID: 15333585; Stewart et al. 2014. PubMed ID: 24892279; Felgentreff et al. 2016. PubMed ID: 27063650). This variant is reported in 0.019% of alleles in individuals of European (non-Finnish) descent in gnomAD. Nonsense variants in LIG4 are expected to be pathogenic. This variant is interpreted as pathogenic.

OMIM
Classification: Pathogenic for LIG4 SYNDROME. Last evaluated: 2005-09-01. Review status: no assertion criteria provided. Collection method: literature only. Allele origin: germline. Not counted in ClinVar's aggregate classification.

Literature cited by the submitters: PubMed 11779494 (cited by 3 submitters); PubMed 16088910 (cited by Labcorp Genetics (formerly Invitae), Labcorp and OMIM); PubMed 24123394 (cited by Labcorp Genetics (formerly Invitae), Labcorp and Molecular Diagnostics Lab, Nemours Children's Health, Delaware); PubMed 25239263 (cited by Labcorp Genetics (formerly Invitae), Labcorp); PubMed 27063650 (cited by Labcorp Genetics (formerly Invitae), Labcorp); PubMed 27612988 (cited by Labcorp Genetics (formerly Invitae), Labcorp); PubMed 15333585 (cited by Labcorp Genetics (formerly Invitae), Labcorp); PubMed 24892279 (cited by Labcorp Genetics (formerly Invitae), Labcorp).

NM_206937.2(LIG4):c.2440C>T (p.Arg814Ter)

Gene: LIG4 (DNA ligase 4; minus strand). Cytogenetic location: 13q33.3.
Variant type: single nucleotide variant.
Coding change: c.2440C>T on transcript NM_206937.2 (MANE Select); coding-DNA position 2440, C replaced by T.
Protein change: p.Arg814Ter; replaces arginine 814 with a stop codon.
Molecular consequence: nonsense.
Genome position (GRCh38, 1-based): chr13:108,208,829, G>A on the plus strand (C>T on the coding strand, the complement: LIG4 is on the minus strand). VCF-style: chr13-108208829-G-A. GRCh37 (hg19) VCF-style: chr13-108861177-G-A.
Other names: c.2440C>T (NM_206937.1); c.2440C>T, p.Arg814Ter (NM_001098268.2, NM_001352598.2, NM_001352599.2 and 6 more transcripts); c.2239C>T, p.Arg747Ter (NM_001330595.2); c.2476C>T, p.Arg826Ter (NM_001352604.2); short protein forms R814*, R747*, R826*.
Identifiers: ClinVar variation 7673 (VCV000007673.70), dbSNP rs104894419, ClinGen allele CA118975.
Genomic context (GRCh38, chr13:108,208,829, plus strand): 5'-CATTTTTGGTACTCAGGTCATTAATAACAGCATACGAGTCCAAATAAACGGTGTGGCGTC[G>A]AAACATACTGAGAGGAGAGCAATCCCAGGAATACCGATATTCTAAATCAGCAATCAGAGA-3'